The following is an entry in ClinVar:

NM_016222.4(DDX41):c.671T>C (p.Ile224Thr)

Gene: DDX41 (DEAD-box helicase 41; minus strand). Cytogenetic location: 5q35.3.
Variant type: single nucleotide variant.
Coding change: c.671T>C on transcript NM_016222.4 (MANE Select); coding-DNA position 671, T replaced by C.
Protein change: p.Ile224Thr; replaces isoleucine 224 with threonine.
Molecular consequence: missense variant.
Genome position (GRCh38, 1-based): chr5:177,515,043, A>G on the plus strand (T>C on the coding strand, the complement: DDX41 is on the minus strand). VCF-style: chr5-177515043-A-G. GRCh37 (hg19) VCF-style: chr5-176942044-A-G.
Other names: c.293T>C, p.Ile98Thr (NM_001321732.2, NM_001321830.2); short protein forms I224T, I98T.
Identifiers: ClinVar variation 4617134 (VCV004617134.1).
Genomic context (GRCh38, chr5:177,515,043, plus strand): 5'-AGGCAGAACATGATGACGGGCAACGTGAACACCAGTGTCTTGCCTGAACCCGTGAAAGCG[A>G]TGCCTATCATGTCACGGCCAGATAGACTGTTGGGAGAGGATGACCCGAGGGCCAATTTCA-3'
Protein context (NP_057306.2, residues 214-234): TILSGRDMIG[Ile224Thr]AFTGSGKTLV

ClinVar aggregate classification (germline): Uncertain significance (1 of 4 stars; one submission).

Conditions:
Inborn genetic diseases. Identifiers: MedGen C0950123, MeSH D030342.

Submission:

Ambry Genetics
Classification: Uncertain significance for Inborn genetic diseases. Last evaluated: 2025-09-28. Review status: criteria provided, single submitter. Criteria: Ambry Variant Classification Scheme 2023. Collection method: clinical testing. Allele origin: germline.
Comment: The p.I224T variant (also known as c.671T>C), located in coding exon 8 of the DDX41 gene, results from a T to C substitution at nucleotide position 671. The isoleucine at codon 224 is replaced by threonine, an amino acid with similar properties. This amino acid position is conserved. In addition, this alteration is predicted to be deleterious by in silico analysis. Based on the available evidence, the clinical significance of this variant remains unclear.